The following is an entry in ClinVar:

NM_001270508.2(TNFAIP3):c.1019A>G (p.Asn340Ser)

Gene: TNFAIP3 (TNF alpha induced protein 3; plus strand). Cytogenetic location: 6q23.3.
Variant type: single nucleotide variant.
Coding change: c.1019A>G on transcript NM_001270508.2 (MANE Select); coding-DNA position 1019, A replaced by G.
Protein change: p.Asn340Ser; replaces asparagine 340 with serine.
Molecular consequence: missense variant.
Genome position (GRCh38, 1-based): chr6:137,878,464, A>G. VCF-style: chr6-137878464-A-G. GRCh37 (hg19) VCF-style: chr6-138199601-A-G.
Other names: c.1019A>G, p.Asn340Ser (NM_001270507.2, NM_006290.4); short protein forms N340S.
Identifiers: ClinVar variation 2848193 (VCV002848193.3), dbSNP rs1261510652, ClinGen allele CA365788157.

ClinVar aggregate classification (germline): Uncertain significance (1 of 4 stars; one submission).

gnomAD v4.1: 2 of 1,611,402 alleles (0.00012%); highest among the groups gnomAD compares: African/African-American, 0.0027%; no homozygotes.

Submission:

Labcorp Genetics (formerly Invitae), Labcorp
Classification: Uncertain significance. Last evaluated: 2023-04-17. Review status: criteria provided, single submitter. Criteria: Invitae Variant Classification Sherloc (09022015). Collection method: clinical testing. Allele origin: germline.
Comment: This variant is present in population databases (no rsID available, gnomAD 0.007%). This sequence change replaces asparagine, which is neutral and polar, with serine, which is neutral and polar, at codon 340 of the TNFAIP3 protein (p.Asn340Ser). In summary, the available evidence is currently insufficient to determine the role of this variant in disease. Therefore, it has been classified as a Variant of Uncertain Significance. Advanced modeling of protein sequence and biophysical properties (such as structural, functional, and spatial information, amino acid conservation, physicochemical variation, residue mobility, and thermodynamic stability) performed at Invitae indicates that this missense variant is not expected to disrupt TNFAIP3 protein function. This variant has not been reported in the literature in individuals affected with TNFAIP3-related conditions.